The following is an entry in ClinVar:

ClinVar aggregate classification (germline): Uncertain significance (1 of 4 stars; one submission).

Conditions:
Supravalvar aortic stenosis (SVAS). Also called: Supravalvar aortic stenosis, Eisenberg type. Identifiers: Orphanet 3193, MedGen C0003499, MONDO:0008504, OMIM 185500, HP:0004381.

gnomAD v4.1: 1 of 1,613,816 alleles (0.000062%); highest among the groups gnomAD compares: Non-Finnish European, 0.000085%; no homozygotes.

Submission:

Labcorp Genetics (formerly Invitae), Labcorp
Classification: Uncertain significance for Supravalvar aortic stenosis. Last evaluated: 2025-02-27. Review status: criteria provided, single submitter. Criteria: Invitae Variant Classification Sherloc (09022015). Collection method: clinical testing. Allele origin: germline.
Comment: This sequence change falls in intron 5 of the ELN gene. It does not directly change the encoded amino acid sequence of the ELN protein. It affects a nucleotide within the consensus splice site. This variant is not present in population databases (gnomAD no frequency). This variant has not been reported in the literature in individuals affected with ELN-related conditions. Variants that disrupt the consensus splice site are a relatively common cause of aberrant splicing (PMID: 17576681, 9536098). Algorithms developed to predict the effect of sequence changes on RNA splicing suggest that this variant may disrupt the consensus splice site. In summary, the available evidence is currently insufficient to determine the role of this variant in disease. Therefore, it has been classified as a Variant of Uncertain Significance.

Literature cited by the submitters: PubMed 17576681; PubMed 9536098.

NM_000501.4(ELN):c.232+6T>C

Gene: ELN (elastin; plus strand). Cytogenetic location: 7q11.23.
Variant type: single nucleotide variant.
Coding change: c.232+6T>C on transcript NM_000501.4 (MANE Select); 6 bases into the intron after coding-DNA position 232, T replaced by C.
Molecular consequence: intron variant.
Genome position (GRCh38, 1-based): chr7:74,041,257, T>C. VCF-style: chr7-74041257-T-C. GRCh37 (hg19) VCF-style: chr7-73455587-T-C.
Other names: c.232+6T>C (NM_001081754.3, NM_001081753.3, NM_001278939.2 and 4 more transcripts); c.197-1357T>C (NM_001278913.2); c.202+6T>C (NM_001278914.2, NM_001278917.2, NM_001081752.3 and 1 more transcripts).
Identifiers: ClinVar variation 4714048 (VCV004714048.1).